The following is an entry in ClinVar:

NM_012469.4(PRPF6):c.2155G>A (p.Glu719Lys)

Gene: PRPF6 (pre-mRNA processing factor 6; plus strand). Cytogenetic location: 20q13.33.
Variant type: single nucleotide variant.
Coding change: c.2155G>A on transcript NM_012469.4 (MANE Select); coding-DNA position 2155, G replaced by A.
Protein change: p.Glu719Lys; replaces glutamic acid 719 with lysine.
Molecular consequence: missense variant.
Genome position (GRCh38, 1-based): chr20:64,027,108, G>A. VCF-style: chr20-64027108-G-A. GRCh37 (hg19) VCF-style: chr20-62658461-G-A.
Other names: c.2155G>A (NM_012469.3); short protein forms E719K.
Identifiers: ClinVar variation 1461591 (VCV001461591.7), dbSNP rs780468673, ClinGen allele CA9972377.

ClinVar aggregate classification (germline): Uncertain significance. Review status: criteria provided, multiple submitters, no conflicts (2 of 4 stars). 2 submissions from 2 submitters: Uncertain significance (2). Last evaluated 2024-02-12.

Allele frequency attached by ClinVar (database versions not stated): gnomAD exomes 0.00001; TOPMed 0.00001; ExAC 0.00002.
gnomAD v4.1: 15 of 1,614,054 alleles (0.00093%); highest among the groups gnomAD compares: African/African-American, 0.004%; no homozygotes.

Submissions (2):

Ambry Genetics
Classification: Uncertain significance. Last evaluated: 2024-02-12. Review status: criteria provided, single submitter. Criteria: Ambry Variant Classification Scheme 2023. Collection method: clinical testing. Allele origin: germline.

Labcorp Genetics (formerly Invitae), Labcorp
Classification: Uncertain significance. Last evaluated: 2022-08-22. Review status: criteria provided, single submitter. Criteria: Invitae Variant Classification Sherloc (09022015). Collection method: clinical testing. Allele origin: germline.
Comment: This variant is present in population databases (rs780468673, gnomAD 0.01%). This sequence change replaces glutamic acid, which is acidic and polar, with lysine, which is basic and polar, at codon 719 of the PRPF6 protein (p.Glu719Lys). This variant has not been reported in the literature in individuals affected with PRPF6-related conditions. In summary, the available evidence is currently insufficient to determine the role of this variant in disease. Therefore, it has been classified as a Variant of Uncertain Significance. Algorithms developed to predict the effect of missense changes on protein structure and function (SIFT, PolyPhen-2, Align-GVGD) all suggest that this variant is likely to be tolerated. ClinVar contains an entry for this variant (Variation ID: 1461591).